The following is an entry in ClinVar:

NM_005215.4(DCC):c.4047_4051dup (p.Pro1351fs)

Gene: DCC (DCC netrin 1 receptor; plus strand). Cytogenetic location: 18q21.2.
Variant type: Duplication.
Coding change: c.4047_4051dup on transcript NM_005215.4 (MANE Select); coding-DNA positions 4047 to 4051, 5 bases duplicated (GCTAC; older notation c.4047_4051dupGCTAC).
Protein change: p.Pro1351fs; shifts the reading frame from proline 1351.
Molecular consequence: frameshift variant.
Genome position (GRCh38, 1-based): chr18:53,499,446-53,499,450, GCTAC duplicated. VCF-style (leftmost placement, unchanged base first): chr18-53499445-T-TGCTAC. GRCh37 (hg19) VCF-style: chr18-51025815-T-TGCTAC.
Other names: short protein forms P1351fs.
Identifiers: ClinVar variation 3344125 (VCV003344125.1).

ClinVar aggregate classification (germline): Uncertain significance (0 of 4 stars; one submission).

Conditions:
DCC-related disorder. Also called: DCC-related condition.

Submission:

PreventionGenetics, part of Exact Sciences
Classification: Uncertain significance for DCC-related condition. Last evaluated: 2024-05-31. Review status: no assertion criteria provided. Collection method: clinical testing. Allele origin: germline.
Comment: The DCC c.4047_4051dup5 variant is predicted to result in a frameshift and premature protein termination (p.Pro1351Argfs*6). To our knowledge, this variant has not been reported in the literature or in a large population database, indicating this variant is rare. Only one frameshift variant has been reported downstream of p.Pro1351 (p.Ser1406Lysfs*22) in five members of a family; four members were reported as having congenital mirror movements and one member was reported as not affected (Family 4 in Bierhals et al. 2018. PubMed ID: 29366874). Although we suspect that the p.Pro1351Argfs*6 variant may be pathogenic, at this time, its clinical significance is uncertain due to the absence of conclusive functional and genetic evidence.